The following is an entry in ClinVar:

NM_201253.3(CRB1):c.330del (p.Ile111fs)

Gene: CRB1 (crumbs cell polarity complex component 1; plus strand). Cytogenetic location: 1q31.3.
Variant type: Deletion.
Coding change: c.330del on transcript NM_201253.3 (MANE Select); coding-DNA position 330, one base deleted (C; older notation c.330delC).
Protein change: p.Ile111fs; shifts the reading frame from isoleucine 111.
Molecular consequence: frameshift variant. On other transcripts: non-coding transcript variant (2).
Genome position (GRCh38, 1-based): chr1:197,328,681, C deleted; the last of 2 consecutive C bases (chr1:197,328,680-197,328,681); deleting either gives the same sequence. VCF-style (leftmost placement, unchanged base first): chr1-197328679-AC-A. GRCh37 (hg19) VCF-style: chr1-197297809-AC-A.
Other names: c.330del, p.Ile111fs (NM_001193640.2, NM_001257966.2); c.123del, p.Ile42fs (NM_001257965.2); short protein forms I111fs, I42fs.
Identifiers: ClinVar variation 1709529 (VCV001709529.2), dbSNP rs2465028311, ClinGen allele CA2580061813.

ClinVar aggregate classification (germline): Likely pathogenic (1 of 4 stars; one submission).

Conditions:
Retinitis pigmentosa 12 (RP12). Also called: RP WITH OR WITHOUT PPRPE; RP WITH OR WITHOUT PRESERVED PARAARTERIOLE RETINAL PIGMENT EPITHELIUM; RETINITIS PIGMENTOSA WITH OR WITHOUT PARAARTERIOLAR PRESERVATION OF RETINAL PIGMENT EPITHELIUM. Identifiers: Orphanet 791, MedGen C1838647, MONDO:0010818, OMIM 600105.

Submission:

MGZ Medical Genetics Center
Classification: Likely pathogenic for Retinitis pigmentosa 12. Last evaluated: 2022-05-20. Review status: criteria provided, single submitter. Criteria: ACMG Guidelines, 2015. Collection method: clinical testing. Allele origin: germline. Affected: yes. Observed: 1 variant allele.
Comment: ACMG criteria applied: PVS1, PM2_SUP